The following is an entry in ClinVar:

ClinVar aggregate classification (germline): Uncertain significance (1 of 4 stars; one submission).

Submission:

Labcorp Genetics (formerly Invitae), Labcorp
Classification: Uncertain significance. Last evaluated: 2021-03-10. Review status: criteria provided, single submitter. Criteria: Invitae Variant Classification Sherloc (09022015). Collection method: clinical testing. Allele origin: germline.
Comment: This sequence change replaces methionine with threonine at codon 184 of the FGF12 protein (p.Met184Thr). The methionine residue is highly conserved and there is a moderate physicochemical difference between methionine and threonine. This variant is not present in population databases (ExAC no frequency). This variant has not been reported in the literature in individuals with FGF12-related conditions. Algorithms developed to predict the effect of missense changes on protein structure and function are either unavailable or do not agree on the potential impact of this missense change (SIFT: "Tolerated"; PolyPhen-2: "Probably Damaging"; Align-GVGD: "Class C0"). In summary, the available evidence is currently insufficient to determine the role of this variant in disease. Therefore, it has been classified as a Variant of Uncertain Significance.

NM_004113.6(FGF12):c.365T>C (p.Met122Thr)

Gene: FGF12 (fibroblast growth factor 12; minus strand). Cytogenetic location: 3q28.
Variant type: single nucleotide variant.
Coding change: c.365T>C on transcript NM_004113.6 (MANE Select); coding-DNA position 365, T replaced by C.
Protein change: p.Met122Thr; replaces methionine 122 with threonine.
Molecular consequence: missense variant.
Genome position (GRCh38, 1-based): chr3:192,170,520, A>G on the plus strand (T>C on the coding strand, the complement: FGF12 is on the minus strand). VCF-style: chr3-192170520-A-G. GRCh37 (hg19) VCF-style: chr3-191888309-A-G.
Other names: c.254T>C, p.Met85Thr (NM_001377292.1); c.293T>C, p.Met98Thr (NM_001377293.1, NM_001377294.1); c.551T>C, p.Met184Thr (NM_021032.5); short protein forms M122T, M184T, M85T, M98T.
Identifiers: ClinVar variation 1466203 (VCV001466203.8), dbSNP rs2108618668, ClinGen allele CA355865977.